The following is an entry in ClinVar:

ClinVar aggregate classification (germline): Likely benign. Review status: criteria provided, single submitter (1 of 4 stars). 2 submissions from 2 submitters: Likely benign (1). 1 of the submissions does not count toward it. Last evaluated 2026-04-01.

Conditions:
PRR12-related disorder. Also called: PRR12-related condition.

Allele frequency attached by ClinVar (database versions not stated): gnomAD 0.00007; TOPMed 0.00009; gnomAD exomes 0.00010; 1000 Genomes Project 30x 0.00016; 1000 Genomes Project 0.00020; ExAC 0.00025.
gnomAD v4.1: 156 of 1,607,506 alleles (0.0097%); highest among the groups gnomAD compares: Admixed American, 0.022%; no homozygotes.

Submissions (2):

CeGaT Center for Human Genetics Tuebingen
Classification: Likely benign. Last evaluated: 2026-04-01. Review status: criteria provided, single submitter. Criteria: CeGaT Center For Human Genetics Tuebingen Variant Classification Criteria Version 2. Collection method: clinical testing. Allele origin: germline. Affected: yes. Observed: 2 variant alleles.
Comment: PRR12: BP4, BP7

PreventionGenetics, part of Exact Sciences
Classification: Likely benign for PRR12-related condition. Last evaluated: 2021-05-19. Review status: no assertion criteria provided. Collection method: clinical testing. Allele origin: germline. Not counted in ClinVar's aggregate classification.
Comment: This variant is classified as likely benign based on ACMG/AMP sequence variant interpretation guidelines (Richards et al. 2015 PMID: 25741868, with internal and published modifications).

NM_020719.3(PRR12):c.1275C>T (p.Ala425=)

Gene: PRR12 (proline rich 12; plus strand). Cytogenetic location: 19q13.33.
Variant type: single nucleotide variant.
Coding change: c.1275C>T on transcript NM_020719.3 (MANE Select); coding-DNA position 1275, C replaced by T.
Protein change: p.Ala425=; no amino-acid change (alanine 425 retained).
Molecular consequence: synonymous variant.
Genome position (GRCh38, 1-based): chr19:49,595,610, C>T. VCF-style: chr19-49595610-C-T. GRCh37 (hg19) VCF-style: chr19-50098867-C-T.
Identifiers: ClinVar variation 3048007 (VCV003048007.4), dbSNP rs576738078, ClinGen allele CA9577822.